The following is an entry in ClinVar:

NM_000548.5(TSC2):c.4995G>C (p.Gln1665His)

Gene: TSC2 (TSC complex subunit 2; plus strand). Cytogenetic location: 16p13.3.
Variant type: single nucleotide variant.
Coding change: c.4995G>C on transcript NM_000548.5 (MANE Select); coding-DNA position 4995, G replaced by C.
Protein change: p.Gln1665His; replaces glutamine 1665 with histidine.
Molecular consequence: missense variant.
Genome position (GRCh38, 1-based): chr16:2,087,868, G>C. VCF-style: chr16-2087868-G-C. GRCh37 (hg19) VCF-style: chr16-2137869-G-C.
Other names: c.4794G>C, p.Gln1598His (NM_001077183.3); c.4926G>C, p.Gln1642His (NM_001114382.3); c.4686G>C, p.Gln1562His (NM_001318827.2); c.4650G>C, p.Gln1550His (NM_001318829.2); c.4263G>C, p.Gln1421His (NM_001318831.2); c.4827G>C, p.Gln1609His (NM_001318832.2); c.4797G>C, p.Gln1599His (NM_001363528.2); c.4863G>C, p.Gln1621His (NM_001370404.1); and 2 more; short protein forms Q1665H, Q1609H, Q1621H, Q1622H, Q1550H, Q1562H, Q1598H, Q1642H.
Identifiers: ClinVar variation 1487979 (VCV001487979.8), dbSNP rs2091045745, ClinGen allele CA394310951.

ClinVar aggregate classification (germline): Uncertain significance. Review status: criteria provided, multiple submitters, no conflicts (2 of 4 stars). 2 submissions from 2 submitters: Uncertain significance (2). Last evaluated 2023-07-05.

Conditions:
Tuberous sclerosis 2 (TSC2). Identifiers: Orphanet 805, MedGen C1860707, MONDO:0013199, OMIM 613254.
Hereditary cancer-predisposing syndrome. Also called: Neoplastic Syndromes, Hereditary; Tumor predisposition; Hereditary neoplastic syndrome; Hereditary Cancer Syndrome. Identifiers: Orphanet 140162, MedGen C0027672, MeSH D009386, MONDO:0015356.

Submissions (2):

Ambry Genetics
Classification: Uncertain significance for Hereditary cancer-predisposing syndrome. Last evaluated: 2023-07-05. Review status: criteria provided, single submitter. Criteria: Ambry Variant Classification Scheme 2023. Collection method: clinical testing. Allele origin: germline.
Comment: The p.Q1665H variant (also known as c.4995G>C), located in coding exon 38 of the TSC2 gene, results from a G to C substitution at nucleotide position 4995. The glutamine at codon 1665 is replaced by histidine, an amino acid with highly similar properties. This amino acid position is conserved. In addition, this alteration is predicted to be deleterious by in silico analysis. Since supporting evidence is limited at this time, the clinical significance of this alteration remains unclear.

Labcorp Genetics (formerly Invitae), Labcorp
Classification: Uncertain significance for Tuberous sclerosis 2. Last evaluated: 2022-08-10. Review status: criteria provided, single submitter. Criteria: Invitae Variant Classification Sherloc (09022015). Collection method: clinical testing. Allele origin: germline.
Comment: Advanced modeling of protein sequence and biophysical properties (such as structural, functional, and spatial information, amino acid conservation, physicochemical variation, residue mobility, and thermodynamic stability) performed at Invitae indicates that this missense variant is not expected to disrupt TSC2 protein function. This sequence change replaces glutamine, which is neutral and polar, with histidine, which is basic and polar, at codon 1665 of the TSC2 protein (p.Gln1665His). This variant is not present in population databases (gnomAD no frequency). This variant has not been reported in the literature in individuals affected with TSC2-related conditions. ClinVar contains an entry for this variant (Variation ID: 1487979). In summary, the available evidence is currently insufficient to determine the role of this variant in disease. Therefore, it has been classified as a Variant of Uncertain Significance.